The following is an entry in ClinVar:

NM_004172.5(SLC1A3):c.580T>C (p.Tyr194His)

Genes: SLC1A3 (solute carrier family 1 member 3; plus strand), SLC1A3-AS1 (SLC1A3 antisense RNA 1; minus strand). Cytogenetic location: 5p13.2.
Variant type: single nucleotide variant.
Coding change: c.580T>C on transcript NM_004172.5 (MANE Select); coding-DNA position 580, T replaced by C.
Protein change: p.Tyr194His; replaces tyrosine 194 with histidine.
Molecular consequence: missense variant. On other transcripts: intron variant (1).
Genome position (GRCh38, 1-based): chr5:36,676,904, T>C. VCF-style: chr5-36676904-T-C. GRCh37 (hg19) VCF-style: chr5-36677006-T-C.
Other names: c.580T>C, p.Tyr194His (NM_001166695.3); c.442T>C, p.Tyr148His (NM_001289939.2); c.525-2723T>C (NM_001289940.2); short protein forms Y148H, Y194H.
Identifiers: ClinVar variation 2504726 (VCV002504726.1), dbSNP rs2478143563, ClinGen allele CA359478137.

ClinVar aggregate classification (germline): Uncertain significance (1 of 4 stars; one submission).

Submission:

GeneDx
Classification: Uncertain significance. Last evaluated: 2022-12-08. Review status: criteria provided, single submitter. Criteria: GeneDx Variant Classification Process June 2021. Collection method: clinical testing. Allele origin: germline. Affected: yes.
Comment: Not observed at significant frequency in large population cohorts (gnomAD); In silico analysis supports that this missense variant does not alter protein structure/function; Has not been previously published as pathogenic or benign to our knowledge